The following is an entry in ClinVar:

NM_173596.3(SLC39A5):c.716C>A (p.Pro239His)

Gene: SLC39A5 (solute carrier family 39 member 5; plus strand). Cytogenetic location: 12q13.3.
Variant type: single nucleotide variant.
Coding change: c.716C>A on transcript NM_173596.3 (MANE Select); coding-DNA position 716, C replaced by A.
Protein change: p.Pro239His; replaces proline 239 with histidine.
Molecular consequence: missense variant.
Genome position (GRCh38, 1-based): chr12:56,235,238, C>A. VCF-style: chr12-56235238-C-A. GRCh37 (hg19) VCF-style: chr12-56629022-C-A.
Other names: c.716C>A, p.Pro239His (NM_001135195.2); short protein forms P239H.
Identifiers: ClinVar variation 4529603 (VCV004529603.1).

ClinVar aggregate classification (germline): Uncertain significance (1 of 4 stars; one submission).

Submission:

GeneDx
Classification: Uncertain significance. Last evaluated: 2025-05-14. Review status: criteria provided, single submitter. Criteria: GeneDx Variant Classification Process June 2021. Collection method: clinical testing. Allele origin: germline. Affected: yes.
Comment: Not observed at significant frequency in large population cohorts (gnomAD); In silico analysis suggests that this missense variant does not alter protein structure/function; Has not been previously published as pathogenic or benign to our knowledge